The following is an entry in ClinVar:

ClinVar aggregate classification (germline): Uncertain significance (1 of 4 stars; one submission).

Submission:

Labcorp Genetics (formerly Invitae), Labcorp
Classification: Uncertain significance. Last evaluated: 2022-06-22. Review status: criteria provided, single submitter. Criteria: Invitae Variant Classification Sherloc (09022015). Collection method: clinical testing. Allele origin: germline.
Comment: In summary, the available evidence is currently insufficient to determine the role of this variant in disease. Therefore, it has been classified as a Variant of Uncertain Significance. Advanced modeling of protein sequence and biophysical properties (such as structural, functional, and spatial information, amino acid conservation, physicochemical variation, residue mobility, and thermodynamic stability) performed at Invitae indicates that this missense variant is expected to disrupt KMT2A protein function. This variant has not been reported in the literature in individuals affected with KMT2A-related conditions. This variant is not present in population databases (gnomAD no frequency). This sequence change replaces aspartic acid, which is acidic and polar, with alanine, which is neutral and non-polar, at codon 2605 of the KMT2A protein (p.Asp2605Ala).

NM_001197104.2(KMT2A):c.7814A>C (p.Asp2605Ala)

Gene: KMT2A (lysine methyltransferase 2A; plus strand). Cytogenetic location: 11q23.3.
Variant type: single nucleotide variant.
Coding change: c.7814A>C on transcript NM_001197104.2 (MANE Select); coding-DNA position 7814, A replaced by C.
Protein change: p.Asp2605Ala; replaces aspartic acid 2605 with alanine.
Molecular consequence: missense variant.
Genome position (GRCh38, 1-based): chr11:118,503,706, A>C. VCF-style: chr11-118503706-A-C. GRCh37 (hg19) VCF-style: chr11-118374421-A-C.
Other names: c.7904A>C, p.Asp2635Ala (NM_001412597.1); c.7805A>C, p.Asp2602Ala (NM_005933.4); short protein forms D2635A, D2605A, D2602A.
Identifiers: ClinVar variation 2008913 (VCV002008913.4), dbSNP rs367599045, ClinGen allele CA382807324.